The following is an entry in ClinVar:

ClinVar aggregate classification (germline): Uncertain significance (1 of 4 stars; one submission).

Allele frequency attached by ClinVar (database versions not stated): TOPMed below 0.00001; gnomAD 0.00001.
gnomAD v4.1: 5 of 1,612,852 alleles (0.00031%); highest among the groups gnomAD compares: South Asian, 0.0044%; no homozygotes.

Submission:

Ambry Genetics
Classification: Uncertain significance. Last evaluated: 2022-07-15. Review status: criteria provided, single submitter. Criteria: Ambry Variant Classification Scheme 2023. Collection method: clinical testing. Allele origin: germline.
Comment: The p.P269A variant (also known as c.805C>G), located in coding exon 8 of the RAD54L gene, results from a C to G substitution at nucleotide position 805. The proline at codon 269 is replaced by alanine, an amino acid with highly similar properties. This amino acid position is conserved. In addition, the in silico prediction for this alteration is inconclusive. Since supporting evidence is limited at this time, the clinical significance of this alteration remains unclear.

NM_003579.4(RAD54L):c.805C>G (p.Pro269Ala)

Gene: RAD54L (RAD54 like; plus strand). Cytogenetic location: 1p34.1.
Variant type: single nucleotide variant.
Coding change: c.805C>G on transcript NM_003579.4 (MANE Select); coding-DNA position 805, C replaced by G.
Protein change: p.Pro269Ala; replaces proline 269 with alanine.
Molecular consequence: missense variant.
Genome position (GRCh38, 1-based): chr1:46,261,299, C>G. VCF-style: chr1-46261299-C-G. GRCh37 (hg19) VCF-style: chr1-46726971-C-G.
Other names: c.805C>G, p.Pro269Ala (NM_001142548.2); c.265C>G, p.Pro89Ala (NM_001370766.1); short protein forms P269A, P89A.
Identifiers: ClinVar variation 1761835 (VCV001761835.2), dbSNP rs1261856350, ClinGen allele CA340188750.